The following is an entry in ClinVar:

NM_001348768.2(HECW2):c.3211C>G (p.Pro1071Ala)

Gene: HECW2 (HECT, C2 and WW domain containing E3 ubiquitin protein ligase 2; minus strand). Cytogenetic location: 2q32.3.
Variant type: single nucleotide variant.
Coding change: c.3211C>G on transcript NM_001348768.2 (MANE Select); coding-DNA position 3211, C replaced by G.
Protein change: p.Pro1071Ala; replaces proline 1071 with alanine.
Molecular consequence: missense variant.
Genome position (GRCh38, 1-based): chr2:196,274,048, G>C on the plus strand (C>G on the coding strand, the complement: HECW2 is on the minus strand). VCF-style: chr2-196274048-G-C. GRCh37 (hg19) VCF-style: chr2-197138772-G-C.
Other names: c.2143C>G, p.Pro715Ala (NM_001304840.3); c.3211C>G, p.Pro1071Ala (NM_020760.4); short protein forms P715A, P1071A.
Identifiers: ClinVar variation 5002935 (VCV005002935.1).

ClinVar aggregate classification (germline): Uncertain significance (1 of 4 stars; one submission).

Conditions:
Neurodevelopmental disorder with hypotonia, seizures, and absent language (NDHSAL). Identifiers: MedGen C4310643, MONDO:0014995, OMIM 617268.

Submission:

OLLIN Analises Genomicas, OLLIN
Classification: Uncertain significance for Neurodevelopmental disorder with hypotonia, seizures, and absent language. Last evaluated: 2026-08-06. Review status: criteria provided, single submitter. Criteria: ACMG Guidelines 2015 PMID 25741868. Collection method: clinical testing. Allele origin: germline. Inheritance: Autosomal dominant inheritance.
Comment: This missense variant, located in exon 16 (of 29), is absent from gnomAD and ClinVar and has not been identified in the literature. In silico analysis predicts that this variant has a tolerated effect. This gene is constrained for missense variation. According to the currently available evidence, this variant has been classified as uncertain significance (PM2_P, PP2, BP4).